The following is an entry in ClinVar:

ClinVar aggregate classification (germline): Uncertain significance (1 of 4 stars; one submission).

gnomAD v4.1: 4 of 1,614,036 alleles (0.00025%); highest among the groups gnomAD compares: Admixed American, 0.0067%; no homozygotes.

Submission:

GeneDx
Classification: Uncertain significance. Last evaluated: 2024-10-29. Review status: criteria provided, single submitter. Criteria: GeneDx Variant Classification Process June 2021. Collection method: clinical testing. Allele origin: germline. Affected: yes.
Comment: Not observed at significant frequency in large population cohorts (gnomAD); In silico analysis indicates that this missense variant does not alter protein structure/function; Has not been previously published as pathogenic or benign to our knowledge

NM_022124.6(CDH23):c.7093G>T (p.Val2365Leu)

Gene: CDH23 (cadherin related 23; plus strand). Cytogenetic location: 10q22.1.
Variant type: single nucleotide variant.
Coding change: c.7093G>T on transcript NM_022124.6 (MANE Select); coding-DNA position 7093, G replaced by T.
Protein change: p.Val2365Leu; replaces valine 2365 with leucine.
Molecular consequence: missense variant.
Genome position (GRCh38, 1-based): chr10:71,799,149, G>T. VCF-style: chr10-71799149-G-T. GRCh37 (hg19) VCF-style: chr10-73558906-G-T.
Other names: c.373G>T, p.Val125Leu (NM_001171933.1, NM_001171934.1); short protein forms V125L, V2365L.
Identifiers: ClinVar variation 3897270 (VCV003897270.1).